The following is an entry in ClinVar:

NM_024809.5(TCTN2):c.83-2_96dup

Gene: TCTN2 (tectonic family member 2; plus strand). Cytogenetic location: 12q24.31.
Variant type: Duplication.
Coding change: c.83-2_96dup on transcript NM_024809.5 (MANE Select); the canonical splice acceptor site of the intron before coding-DNA position 83 through coding-DNA position 96, 16 bases duplicated (AGCTTTCATCCCTCCT).
Molecular consequence: splice acceptor variant.
Genome position (GRCh38, 1-based): chr12:123,671,505-123,671,520, AGCTTTCATCCCTCCT duplicated; duplicating any 16 consecutive bases within chr12:123,671,502-123,671,520 gives the same sequence; the c. name uses the placement nearest the transcript's 3' end. VCF-style (leftmost placement, unchanged base first): chr12-123671501-G-GCCTAGCTTTCATCCCT. GRCh37 (hg19) VCF-style: chr12-124156048-G-GCCTAGCTTTCATCCCT.
Other names: c.83-2_96dup (NM_001410989.1, NM_001143850.3).
Identifiers: ClinVar variation 2643516 (VCV002643516.24), dbSNP rs2541746245, ClinGen allele CA2695199184.
Genomic context (GRCh38, chr12:123,671,501, plus strand): 5'-ACACACACCTTAGGCGGTGATTCTTCCACTGCTAACCCCTCCTTGTCCCCTTTCCTTCCC[G>GCCTAGCTTTCATCCCT]CCTAGCTTTCATCCCTCCTTTTATCCGAATGTCCGGCCCTGCGGTCAGCGCGTCCCTGGT-3'

ClinVar aggregate classification (germline): Pathogenic (1 of 4 stars; one submission).

Submission:

CeGaT Center for Human Genetics Tuebingen
Classification: Pathogenic. Last evaluated: 2023-06-01. Review status: criteria provided, single submitter. Criteria: CeGaT Center For Human Genetics Tuebingen Variant Classification Criteria Version 2. Collection method: clinical testing. Allele origin: germline. Affected: yes. Observed: 1 variant allele.
Comment: TCTN2: PVS1, PM2